The following is an entry in ClinVar:

NM_001289808.2(CRYAB):c.149G>C (p.Arg50Pro)

Gene: CRYAB (crystallin alpha B; minus strand). Cytogenetic location: 11q23.1.
Variant type: single nucleotide variant.
Coding change: c.149G>C on transcript NM_001289808.2 (MANE Select); coding-DNA position 149, G replaced by C.
Protein change: p.Arg50Pro; replaces arginine 50 with proline.
Molecular consequence: missense variant.
Genome position (GRCh38, 1-based): chr11:111,911,576, C>G on the plus strand (G>C on the coding strand, the complement: CRYAB is on the minus strand). VCF-style: chr11-111911576-C-G. GRCh37 (hg19) VCF-style: chr11-111782300-C-G.
Other names: c.149G>C, p.Arg50Pro (NM_001289807.1, NM_001368245.1, NM_001885.3); short protein forms R50P.
Identifiers: ClinVar variation 4869431 (VCV004869431.1).

ClinVar aggregate classification (germline): Uncertain significance (1 of 4 stars; one submission).

Conditions:
Cardiovascular phenotype. Identifiers: MedGen CN230736.

gnomAD v4.1: 1 of 1,613,040 alleles (0.000062%); no homozygotes.

Submission:

Ambry Genetics
Classification: Uncertain significance for Cardiovascular phenotype. Last evaluated: 2026-06-06. Review status: criteria provided, single submitter. Criteria: Ambry Variant Classification Scheme 2023. Collection method: clinical testing. Allele origin: germline.
Comment: The p.R50P variant (also known as c.149G>C), located in coding exon 1 of the CRYAB gene, results from a G to C substitution at nucleotide position 149. The arginine at codon 50 is replaced by proline, an amino acid with dissimilar properties. This amino acid position is conserved. In addition, the in silico prediction for this alteration is inconclusive. Based on the available evidence, the clinical significance of this variant remains unclear.